The following is an entry in ClinVar:

NM_058216.3(RAD51C):c.589G>A (p.Glu197Lys)

Gene: RAD51C (RAD51 paralog C; plus strand). Cytogenetic location: 17q22.
Variant type: single nucleotide variant.
Coding change: c.589G>A on transcript NM_058216.3 (MANE Select); coding-DNA position 589, G replaced by A.
Protein change: p.Glu197Lys; replaces glutamic acid 197 with lysine.
Molecular consequence: missense variant. On other transcripts: non-coding transcript variant (1).
Genome position (GRCh38, 1-based): chr17:58,703,213, G>A. VCF-style: chr17-58703213-G-A. GRCh37 (hg19) VCF-style: chr17-56780574-G-A.
Other names: c.589G>A (NM_058216.1); short protein forms E197K.
Identifiers: ClinVar variation 660834 (VCV000660834.9), dbSNP rs1555597094, ClinGen allele CA400349138.

ClinVar aggregate classification (germline): Uncertain significance. Review status: criteria provided, multiple submitters, no conflicts (2 of 4 stars). 3 submissions from 3 submitters: Uncertain significance (3). Last evaluated 2025-09-16.

Conditions:
Hereditary cancer-predisposing syndrome. Also called: Neoplastic Syndromes, Hereditary; Hereditary neoplastic syndrome; Tumor predisposition; Hereditary Cancer Syndrome. Identifiers: Orphanet 140162, MedGen C0027672, MeSH D009386, MONDO:0015356.
Fanconi anemia complementation group O. Also called: RAD51C-Related Fanconi Anemia. Identifiers: Orphanet 84, MedGen C3150653, MONDO:0013248, OMIM 613390.

Submissions (3):

Labcorp Genetics (formerly Invitae), Labcorp
Classification: Uncertain significance for Fanconi anemia complementation group O. Last evaluated: 2025-09-16. Review status: criteria provided, single submitter. Criteria: Invitae Variant Classification Sherloc (09022015). Collection method: clinical testing. Allele origin: germline.
Comment: This sequence change replaces glutamic acid, which is acidic and polar, with lysine, which is basic and polar, at codon 197 of the RAD51C protein (p.Glu197Lys). This variant is not present in population databases (gnomAD no frequency). This missense change has been observed in individual(s) with ovarian cancer (PMID: 36562461). ClinVar contains an entry for this variant (Variation ID: 660834). An algorithm developed to predict the effect of missense changes on protein structure and function outputs the following: PolyPhen-2: "Benign". The lysine amino acid residue is found in multiple mammalian species, which suggests that this missense change does not adversely affect protein function. Experimental studies have shown that this missense change does not substantially affect RAD51C function (PMID: 36562461). In summary, the available evidence is currently insufficient to determine the role of this variant in disease. Therefore, it has been classified as a Variant of Uncertain Significance.

Color Diagnostics, LLC DBA Color Health
Classification: Uncertain significance for Hereditary cancer-predisposing syndrome. Last evaluated: 2025-09-08. Review status: criteria provided, single submitter. Criteria: ACMG Guidelines, 2015. Collection method: clinical testing. Allele origin: germline.
Comment: This missense variant replaces glutamic acid with lysine at codon 197 of the RAD51C protein. Computational prediction suggests that this variant may not impact protein structure and function. To our knowledge, functional studies have not been reported for this variant. This variant has been reported in at least one individual affected with ovarian cancer (PMID: 36562461). This variant has not been identified in the general population by the Genome Aggregation Database (gnomAD). The available evidence is insufficient to determine the role of this variant in disease conclusively. Therefore, this variant is classified as a Variant of Uncertain Significance.

Ambry Genetics
Classification: Uncertain significance for Hereditary cancer-predisposing syndrome. Last evaluated: 2025-08-04. Review status: criteria provided, single submitter. Criteria: Ambry Variant Classification Scheme 2023. Collection method: clinical testing. Allele origin: germline.
Comment: The p.E197K variant (also known as c.589G>A), located in coding exon 4 of the RAD51C gene, results from a G to A substitution at nucleotide position 589. The glutamic acid at codon 197 is replaced by lysine, an amino acid with similar properties. This amino acid position is not well conserved in available vertebrate species. In addition, this alteration is predicted to be tolerated by in silico analysis. Based on the available evidence, the clinical significance of this variant remains unclear.

Literature cited by the submitters: PubMed 36562461 (cited by Labcorp Genetics (formerly Invitae), Labcorp and Color Diagnostics, LLC DBA Color Health).